The following is an entry in ClinVar:

NM_001276345.2(TNNT2):c.448A>G (p.Ile150Val)

Gene: TNNT2 (troponin T2, cardiac type; minus strand). Cytogenetic location: 1q32.1.
Variant type: single nucleotide variant.
Coding change: c.448A>G on transcript NM_001276345.2 (MANE Select); coding-DNA position 448, A replaced by G.
Protein change: p.Ile150Val; replaces isoleucine 150 with valine.
Molecular consequence: missense variant.
Genome position (GRCh38, 1-based): chr1:201,364,339, T>C on the plus strand (A>G on the coding strand, the complement: TNNT2 is on the minus strand). VCF-style: chr1-201364339-T-C. GRCh37 (hg19) VCF-style: chr1-201333467-T-C.
Other names: c.418A>G (NM_001001430.1); c.448A>G, p.Ile150Val (NM_000364.4, NM_001406723.1); c.418A>G, p.Ile140Val (NM_001001430.3, NM_001001431.3, NM_001276347.2 and 3 more transcripts); c.403A>G, p.Ile135Val (NM_001001432.3, NM_001406728.1); c.328A>G, p.Ile110Val (NM_001276346.2); c.415A>G, p.Ile139Val (NM_001406725.1); short protein forms I135V, I139V, I140V, I110V, I150V.
Identifiers: ClinVar variation 2158298 (VCV002158298.8), dbSNP rs762340105, ClinGen allele CA089007.

ClinVar aggregate classification (germline): Uncertain significance. Review status: criteria provided, multiple submitters, no conflicts (2 of 4 stars). 4 submissions from 4 submitters: Uncertain significance (4). Last evaluated 2025-05-27.

Conditions:
Dilated cardiomyopathy 1D. Identifiers: Orphanet 154, Orphanet 54260, MedGen C1832243, MONDO:0011095, OMIM 601494.
Hypertrophic cardiomyopathy 2. Also called: TNNT2-Related Familial Hypertrophic Cardiomyopathy. Identifiers: MedGen C1861864, MONDO:0007266, OMIM 115195.
Cardiomyopathy, familial restrictive, 3. Identifiers: Orphanet 75249, MedGen C2676271, MONDO:0012900, OMIM 612422.
Cardiovascular phenotype. Identifiers: MedGen CN230736.
Cardiomyopathy (CMYO). Also called: Cardiomyopathies. Identifiers: Orphanet 167848, MedGen C0878544, MONDO:0004994, HP:0001638. Inheritance: Various modes of inheritance.

Allele frequency attached by ClinVar (database versions not stated): ExAC 0.00001; gnomAD 0.00001; gnomAD exomes 0.00001; TOPMed 0.00002.

Submissions (4):

Labcorp Genetics (formerly Invitae), Labcorp
Classification: Uncertain significance for Cardiomyopathy, familial restrictive, 3; Hypertrophic cardiomyopathy 2; Dilated cardiomyopathy 1D. Last evaluated: 2025-05-27. Review status: criteria provided, single submitter. Criteria: Invitae Variant Classification Sherloc (09022015). Collection method: clinical testing. Allele origin: germline.
Comment: This sequence change replaces isoleucine, which is neutral and non-polar, with valine, which is neutral and non-polar, at codon 140 of the TNNT2 protein (p.Ile140Val). This variant is present in population databases (rs762340105, gnomAD 0.01%). This variant has not been reported in the literature in individuals affected with TNNT2-related conditions. ClinVar contains an entry for this variant (Variation ID: 2158298). Invitae Evidence Modeling of protein sequence and biophysical properties (such as structural, functional, and spatial information, amino acid conservation, physicochemical variation, residue mobility, and thermodynamic stability) indicates that this missense variant is not expected to disrupt TNNT2 protein function with a negative predictive value of 80%. In summary, the available evidence is currently insufficient to determine the role of this variant in disease. Therefore, it has been classified as a Variant of Uncertain Significance.

All of Us Research Program, National Institutes of Health
Classification: Uncertain significance for Cardiomyopathy. Last evaluated: 2024-04-16. Review status: criteria provided, single submitter. Criteria: ACMG Guidelines, 2015. Collection method: clinical testing. Allele origin: germline. Inheritance: Autosomal dominant inheritance. Observed: 3 variant alleles, 3 heterozygotes.
Comment: This missense variant replaces isoleucine with valine at codon 140 of the TNNT2 protein. Computational prediction is inconclusive regarding the impact of this variant on protein structure and function (internally defined REVEL score threshold 0.5 < inconclusive < 0.7, PMID: 27666373). To our knowledge, functional studies have not been reported for this variant. This variant has not been reported in individuals affected with TNNT2-related disorders in the literature. This variant has been identified in 4/250206 chromosomes in the general population by the Genome Aggregation Database (gnomAD). The available evidence is insufficient to determine the role of this variant in disease conclusively. Therefore, this variant is classified as a Variant of Uncertain Significance.

This study involves interpretation of variants in research participants for the purpose of population health screening. Participant phenotype was not available at the time of variant classification. Additional details can be found in publication PMID: 35346344, PMCID: PMC8962531

Ambry Genetics
Classification: Uncertain significance for Cardiovascular phenotype. Last evaluated: 2024-03-30. Review status: criteria provided, single submitter. Criteria: Ambry Variant Classification Scheme 2023. Collection method: clinical testing. Allele origin: germline.
Comment: The p.I140V variant (also known as c.418A>G), located in coding exon 9 of the TNNT2 gene, results from an A to G substitution at nucleotide position 418. The isoleucine at codon 140 is replaced by valine, an amino acid with highly similar properties. This amino acid position is conserved. In addition, the in silico prediction for this alteration is inconclusive. Based on the available evidence, the clinical significance of this alteration remains unclear.

Color Diagnostics, LLC DBA Color Health
Classification: Uncertain significance for Cardiomyopathy. Last evaluated: 2024-03-06. Review status: criteria provided, single submitter. Criteria: ACMG Guidelines, 2015. Collection method: clinical testing. Allele origin: germline.
Comment: This missense variant replaces isoleucine with valine at codon 140 of the TNNT2 protein. Computational prediction is inconclusive regarding the impact of this variant on protein structure and function (internally defined REVEL score threshold 0.5 < inconclusive < 0.7, PMID: 27666373). To our knowledge, functional studies have not been reported for this variant. This variant has not been reported in individuals affected with TNNT2-related disorders in the literature. This variant has been identified in 4/250206 chromosomes in the general population by the Genome Aggregation Database (gnomAD). The available evidence is insufficient to determine the role of this variant in disease conclusively. Therefore, this variant is classified as a Variant of Uncertain Significance.